The following is an entry in ClinVar:

NM_152703.5(SAMD9L):c.2606T>C (p.Phe869Ser)

Gene: SAMD9L (sterile alpha motif domain containing 9 like; minus strand). Cytogenetic location: 7q21.2.
Variant type: single nucleotide variant.
Coding change: c.2606T>C on transcript NM_152703.5 (MANE Select); coding-DNA position 2606, T replaced by C.
Protein change: p.Phe869Ser; replaces phenylalanine 869 with serine.
Molecular consequence: missense variant.
Genome position (GRCh38, 1-based): chr7:93,133,366, A>G on the plus strand (T>C on the coding strand, the complement: SAMD9L is on the minus strand). VCF-style: chr7-93133366-A-G. GRCh37 (hg19) VCF-style: chr7-92762679-A-G.
Other names: c.2606T>C, p.Phe869Ser (NM_001303496.3, NM_001303497.3, NM_001303498.3 and 5 more transcripts); short protein forms F869S.
Identifiers: ClinVar variation 2386809 (VCV002386809.5), dbSNP rs1405356621, ClinGen allele CA368186938.

ClinVar aggregate classification (germline): Uncertain significance. Review status: criteria provided, multiple submitters, no conflicts (2 of 4 stars). 2 submissions from 2 submitters: Uncertain significance (2). Last evaluated 2025-02-13.

Conditions:
Inborn genetic diseases. Identifiers: MedGen C0950123, MeSH D030342.

Allele frequency attached by ClinVar (database versions not stated): gnomAD exomes 0.00001.
gnomAD v4.1: 9 of 1,613,630 alleles (0.00056%); highest among the groups gnomAD compares: South Asian, 0.0044%; no homozygotes.

Submissions (2):

Ambry Genetics
Classification: Uncertain significance for Inborn genetic diseases. Last evaluated: 2025-02-13. Review status: criteria provided, single submitter. Criteria: Ambry Variant Classification Scheme 2023. Collection method: clinical testing. Allele origin: germline.
Comment: The p.F869S variant (also known as c.2606T>C), located in coding exon 1 of the SAMD9L gene, results from a T to C substitution at nucleotide position 2606. The phenylalanine at codon 869 is replaced by serine, an amino acid with highly dissimilar properties. This amino acid position is conserved. In addition, the in silico prediction for this alteration is inconclusive. Based on the available evidence, the clinical significance of this variant remains unclear.

Labcorp Genetics (formerly Invitae), Labcorp
Classification: Uncertain significance. Last evaluated: 2025-02-11. Review status: criteria provided, single submitter. Criteria: Invitae Variant Classification Sherloc (09022015). Collection method: clinical testing. Allele origin: germline.
Comment: This sequence change replaces phenylalanine, which is neutral and non-polar, with serine, which is neutral and polar, at codon 869 of the SAMD9L protein (p.Phe869Ser). This variant is present in population databases (no rsID available, gnomAD 0.0009%). This variant has not been reported in the literature in individuals affected with SAMD9L-related conditions. ClinVar contains an entry for this variant (Variation ID: 2386809). Invitae Evidence Modeling of protein sequence and biophysical properties (such as structural, functional, and spatial information, amino acid conservation, physicochemical variation, residue mobility, and thermodynamic stability) indicates that this missense variant is expected to disrupt SAMD9L protein function with a positive predictive value of 80%. In summary, the available evidence is currently insufficient to determine the role of this variant in disease. Therefore, it has been classified as a Variant of Uncertain Significance.